The following is an entry in ClinVar:

NM_000059.4(BRCA2):c.9127G>T (p.Glu3043Ter)

Gene: BRCA2 (BRCA2 DNA repair associated; plus strand). Cytogenetic location: 13q13.1.
Variant type: single nucleotide variant.
Coding change: c.9127G>T on transcript NM_000059.4 (MANE Select); coding-DNA position 9127, G replaced by T.
Protein change: p.Glu3043Ter; replaces glutamic acid 3043 with a stop codon.
Molecular consequence: nonsense.
Genome position (GRCh38, 1-based): chr13:32,380,016, G>T. VCF-style: chr13-32380016-G-T. GRCh37 (hg19) VCF-style: chr13-32954153-G-T.
Other names: 9355G>T; short protein forms E3043*.
Identifiers: ClinVar variation 91517 (VCV000091517.39), dbSNP rs398122610, ClinGen allele CA026001.

ClinVar aggregate classification (germline): Pathogenic. Review status: reviewed by expert panel (3 of 4 stars). 11 submissions from 11 submitters: Pathogenic (1). 10 of the submissions do not count toward it. Last evaluated 2016-09-08.

Conditions:
Hereditary cancer-predisposing syndrome. Also called: Tumor predisposition; Hereditary Cancer Syndrome; Neoplastic Syndromes, Hereditary; Hereditary neoplastic syndrome. Identifiers: Orphanet 140162, MedGen C0027672, MeSH D009386, MONDO:0015356.
Hereditary breast ovarian cancer syndrome. Also called: Breast and ovarian cancer; Hereditary breast and ovarian cancer; Hereditary breast and ovarian cancer syndrome; BRCA1- and BRCA2-Associated Hereditary Breast and Ovarian Cancer; Hereditary breast and ovarian cancer syndrome (HBOC); Hereditary breast and/or ovarian cancer syndrome. Identifiers: Orphanet 145, MedGen C0677776, MeSH D061325, MONDO:0003582. Disease mechanism: loss of function.
Breast-ovarian cancer, familial, susceptibility to, 2 (BROVCA2). Also called: BRCA2 Hereditary Breast and Ovarian Cancer. Identifiers: Orphanet 145, MedGen C2675520, MONDO:0012933, OMIM 612555. Disease mechanism: loss of function.

Allele frequency attached by ClinVar (database versions not stated): gnomAD exomes below 0.00001; ExAC 0.00001.
gnomAD v4.1: 1 of 1,613,980 alleles (0.000062%); highest among the groups gnomAD compares: Non-Finnish European, 0.000085%; no homozygotes.

Submissions (11):

Evidence-based Network for the Interpretation of Germline Mutant Alleles (ENIGMA)
Classification: Pathogenic for Breast-ovarian cancer, familial, susceptibility to, 2. Last evaluated: 2016-09-08. Review status: reviewed by expert panel. Criteria: ENIGMA BRCA1/2 Classification Criteria (2015). Collection method: curation. Allele origin: germline.
Comment: Variant allele predicted to encode a truncated non-functional protein.

Clinical Genetics Laboratory, Skane University Hospital Lund
Classification: Pathogenic for Breast-ovarian cancer, familial, susceptibility to, 2. Last evaluated: 2025-03-13. Review status: criteria provided, single submitter. Criteria: ACMG Guidelines, 2015. Collection method: clinical testing. Allele origin: germline. Affected: yes. Not counted in ClinVar's aggregate classification.

Labcorp Genetics (formerly Invitae), Labcorp
Classification: Pathogenic for Hereditary breast ovarian cancer syndrome. Last evaluated: 2025-03-13. Review status: criteria provided, single submitter. Criteria: Invitae Variant Classification Sherloc (09022015). Collection method: clinical testing. Allele origin: germline. Not counted in ClinVar's aggregate classification.
Comment: This sequence change creates a premature translational stop signal (p.Glu3043*) in the BRCA2 gene. It is expected to result in an absent or disrupted protein product. Loss-of-function variants in BRCA2 are known to be pathogenic (PMID: 20104584). The frequency data for this variant in the population databases is considered unreliable, as metrics indicate poor data quality at this position in the gnomAD database. This premature translational stop signal has been observed in individual(s) with hereditary breast and/or ovarian cancer (PMID: 29339979, 29446198). ClinVar contains an entry for this variant (Variation ID: 91517). Algorithms developed to predict the effect of sequence changes on RNA splicing suggest that this variant may create or strengthen a splice site. For these reasons, this variant has been classified as Pathogenic.

Ambry Genetics
Classification: Pathogenic for Hereditary cancer-predisposing syndrome. Last evaluated: 2023-11-22. Review status: criteria provided, single submitter. Criteria: Ambry Variant Classification Scheme 2023. Collection method: clinical testing. Allele origin: germline. Not counted in ClinVar's aggregate classification.
Comment: The p.E3043* pathogenic mutation (also known as c.9127G>T), located in coding exon 23 of the BRCA2 gene, results from a G to T substitution at nucleotide position 9127. This changes the amino acid from a glutamic acid to a stop codon within coding exon 23. This alteration is expected to result in loss of function by premature protein truncation or nonsense-mediated mRNA decay. As such, this alteration is interpreted as a disease-causing mutation.

All of Us Research Program, National Institutes of Health
Classification: Pathogenic for Breast-ovarian cancer, familial, susceptibility to, 2. Last evaluated: 2023-04-10. Review status: criteria provided, single submitter. Criteria: ACMG Guidelines, 2015. Collection method: clinical testing. Allele origin: germline. Inheritance: Autosomal dominant inheritance. Observed: 1 variant allele, 1 heterozygote. Not counted in ClinVar's aggregate classification.
Comment: This variant changes 1 nucleotide in exon 24 of the BRCA2 gene, creating a premature translation stop signal. This variant is expected to result in an absent or non-functional protein product. This variant has been reported in an individual affected with breast cancer (PMID: 33471991; Leiden Open Variation Database DB-ID BRCA2_001714) and has been identified in 2 families among the CIMBA participants (PMID: 29446198). This variant has been identified in 1/250756 chromosomes in the general population by the Genome Aggregation Database (gnomAD). Loss of BRCA2 function is a known mechanism of disease. Based on the available evidence, this variant is classified as Pathogenic.

This study involves interpretation of variants in research participants for the purpose of population health screening. Participant phenotype was not available at the time of variant classification. Additional details can be found in publication PMID: 35346344, PMCID: PMC8962531

GeneDx
Classification: Pathogenic. Last evaluated: 2022-06-17. Review status: criteria provided, single submitter. Criteria: GeneDx Variant Classification Process June 2021. Collection method: clinical testing. Allele origin: germline. Affected: yes. Not counted in ClinVar's aggregate classification.
Comment: Nonsense variant predicted to result in protein truncation or nonsense mediated decay in a gene for which loss-of-function is a known mechanism of disease; Observed in individuals undergoing hereditary cancer genetic testing (Heramb 2018, Rebbeck 2018); Truncating variants in this gene are considered pathogenic by a well-established clinical consortium and/or database; Also known as 9355G>T; This variant is associated with the following publications: (PMID: 28152038, 29339979, 29446198, 29922827)

Laboratory for Molecular Medicine, Mass General Brigham Personalized Medicine
Classification: Likely pathogenic for Hereditary breast ovarian cancer syndrome. Last evaluated: 2020-06-19. Review status: criteria provided, single submitter. Criteria: ACMG Guidelines, 2015. Collection method: clinical testing. Allele origin: germline. Not counted in ClinVar's aggregate classification.
Comment: The p.Glu3043X variant in BRCA2 has been reported in the literature in 3 individuals who underwent BRCA2 testing (Heramb 2018 PubMed: 29339979, Rebbeck 2018 PubMed: 29446198). This vairant has been identified in 0.0009% (1/113400) of European chromosomes by gnomAD; however, this frequency is low enough to be consistent with the frequency of hereditary breast and ovarian cancer (HBOC) in the general population. This nonsense variant leads to a premature termination codon at position 3043, which is predicted to lead to a truncated or absent protein. Loss of function of the BRCA2 gene is an established disease mechanism in autosomal dominant HBOC. Additionally, this variant was classified as pathogenic on September 8, 2016 by the ClinGen-approved ENIGMA expert panel (ClinVarSCV000301354.2). In summary, although additional studies are required to fully establish its clinical significance, this variant meets criteria to be classified as likely pathogenic for autosomal dominant hereditary breast and ovarian cancer syndrome (HBOC). ACMG/AMP Criteria applied: PM2; PVS1.

Consortium of Investigators of Modifiers of BRCA1/2 (CIMBA), c/o University of Cambridge
Classification: Pathogenic for Breast-ovarian cancer, familial, susceptibility to, 2. Last evaluated: 2015-10-02. Review status: criteria provided, single submitter. Criteria: CIMBA Mutation Classification guidelines May 2016. Collection method: clinical testing. Allele origin: germline. Not counted in ClinVar's aggregate classification.

Department of Medical Genetics, Oslo University Hospital
Classification: Pathogenic for Breast-ovarian cancer, familial, susceptibility to, 2. Last evaluated: 2015-07-01. Review status: criteria provided, single submitter. Criteria: ACMG Guidelines, 2015. Collection method: clinical testing. Allele origin: germline. Affected: yes. Observed: 1 variant allele. Not counted in ClinVar's aggregate classification.

BRCAlab, Lund University
Classification: Pathogenic for Breast-ovarian cancer, familial, susceptibility to, 2. Last evaluated: 2022-08-26. Review status: no assertion criteria provided. Collection method: clinical testing. Allele origin: germline. Affected: yes. Not counted in ClinVar's aggregate classification.

Sharing Clinical Reports Project (SCRP)
Classification: Pathogenic for Breast-ovarian cancer, familial 2. Last evaluated: 2008-03-28. Review status: no assertion criteria provided. Collection method: clinical testing. Allele origin: germline. Not counted in ClinVar's aggregate classification.

Literature cited by the submitters: PubMed 20104584 (cited by Labcorp Genetics (formerly Invitae), Labcorp); PubMed 29339979 (cited by Labcorp Genetics (formerly Invitae), Labcorp and Laboratory for Molecular Medicine, Mass General Brigham Personalized Medicine); PubMed 29446198 (cited by 3 submitters); PubMed 33471991 (cited by All of Us Research Program, National Institutes of Health); PubMed 28152038 (cited by Laboratory for Molecular Medicine, Mass General Brigham Personalized Medicine).